The following is an entry in ClinVar:

ClinVar aggregate classification (germline): Uncertain significance. Review status: criteria provided, multiple submitters, no conflicts (2 of 4 stars). 5 submissions from 5 submitters: Uncertain significance (5). Last evaluated 2025-11-03.

Conditions:
Inborn genetic diseases. Identifiers: MedGen C0950123, MeSH D030342.
RP1-related disorder. Also called: RP1-related condition.

Allele frequency attached by ClinVar (database versions not stated): ExAC 0.00002; gnomAD 0.00002; gnomAD exomes 0.00002; TOPMed 0.00004; ESP Exome Variant Server 0.00008.
gnomAD v4.1: 30 of 1,613,998 alleles (0.0019%); highest among the groups gnomAD compares: Middle Eastern, 0.016%; no homozygotes.

Submissions (5):

PreventionGenetics, part of Exact Sciences
Classification: Uncertain significance for RP1-related condition. Last evaluated: 2025-11-03. Review status: criteria provided, single submitter. Criteria: ACMG Guidelines, 2015. Collection method: clinical testing. Allele origin: germline.
Comment: The RP1 c.3641C>T variant is predicted to result in the amino acid substitution p.Thr1214Met. To our knowledge, this variant has not been reported in the literature. This variant is reported in 0.0080% of alleles in individuals of African descent in gnomAD. At this time, the clinical significance of this variant is uncertain due to the absence of conclusive functional and genetic evidence.

Labcorp Genetics (formerly Invitae), Labcorp
Classification: Uncertain significance. Last evaluated: 2025-04-16. Review status: criteria provided, single submitter. Criteria: Invitae Variant Classification Sherloc (09022015). Collection method: clinical testing. Allele origin: germline.
Comment: This sequence change replaces threonine, which is neutral and polar, with methionine, which is neutral and non-polar, at codon 1214 of the RP1 protein (p.Thr1214Met). This variant is present in population databases (rs368074316, gnomAD 0.008%). This variant has not been reported in the literature in individuals affected with RP1-related conditions. ClinVar contains an entry for this variant (Variation ID: 425443). An algorithm developed to predict the effect of missense changes on protein structure and function (PolyPhen-2) suggests that this variant is likely to be disruptive. In summary, the available evidence is currently insufficient to determine the role of this variant in disease. Therefore, it has been classified as a Variant of Uncertain Significance.

Ambry Genetics
Classification: Uncertain significance for Inborn genetic diseases. Last evaluated: 2024-01-30. Review status: criteria provided, single submitter. Criteria: Ambry Variant Classification Scheme 2023. Collection method: clinical testing. Allele origin: germline.

Blueprint Genetics
Classification: Uncertain significance. Last evaluated: 2022-02-07. Review status: criteria provided, single submitter. Criteria: ACMG Guidelines, 2015. Collection method: clinical testing. Allele origin: germline.

CeGaT Center for Human Genetics Tuebingen
Classification: Uncertain significance. Last evaluated: 2017-01-01. Review status: criteria provided, single submitter. Criteria: CeGaT Center For Human Genetics Tuebingen Variant Classification Criteria Version 2. Collection method: clinical testing. Allele origin: germline. Affected: yes. Observed: 1 variant allele.

NM_006269.2(RP1):c.3641C>T (p.Thr1214Met)

Gene: RP1 (RP1 axonemal microtubule associated; plus strand). Cytogenetic location: 8q12.1.
Variant type: single nucleotide variant.
Coding change: c.3641C>T on transcript NM_006269.2 (MANE Select); coding-DNA position 3641, C replaced by T.
Protein change: p.Thr1214Met; replaces threonine 1214 with methionine.
Molecular consequence: missense variant.
Genome position (GRCh38, 1-based): chr8:54,627,523, C>T. VCF-style: chr8-54627523-C-T. GRCh37 (hg19) VCF-style: chr8-55540083-C-T.
Other names: c.3641C>T (NM_006269.1); short protein forms T1214M.
Identifiers: ClinVar variation 425443 (VCV000425443.51), dbSNP rs368074316, ClinGen allele CA4751723.
Genomic context (GRCh38, chr8:54,627,523, plus strand): 5'-TTGGACTCAGTGAGAAAGAACAAGACATGGTTCCAATAGATCTTTCTGCAAATTGTTCCA[C>T]GGTCAACATTCAGAGTGTTCCTAAGTGCAGTGAAAATGAAAGAACACAAGGAATCTCCTC-3'
Protein context (NP_006260.1, residues 1204-1224): VPIDLSANCS[Thr1214Met]VNIQSVPKCS